The following is an entry in ClinVar:

NM_000426.4(LAMA2):c.2252del (p.Gly751fs)

Gene: LAMA2 (laminin subunit alpha 2; plus strand). Cytogenetic location: 6q22.33.
Variant type: Deletion.
Coding change: c.2252del on transcript NM_000426.4 (MANE Select); coding-DNA position 2252, one base deleted (G; older notation c.2252delG).
Protein change: p.Gly751fs; shifts the reading frame from glycine 751.
Molecular consequence: frameshift variant.
Genome position (GRCh38, 1-based): chr6:129,267,149, G deleted; the last of 2 consecutive G bases (chr6:129,267,148-129,267,149); deleting either gives the same sequence. VCF-style (leftmost placement, unchanged base first): chr6-129267147-TG-T. GRCh37 (hg19) VCF-style: chr6-129588292-TG-T.
Other names: c.2252del, p.Gly751fs (NM_001079823.2); short protein forms G751fs.
Identifiers: ClinVar variation 2861168 (VCV002861168.3), dbSNP rs2482194379, ClinGen allele CA2739266087.

ClinVar aggregate classification (germline): Pathogenic (1 of 4 stars; one submission).

Conditions:
LAMA2-related muscular dystrophy (LAMA2-RD). Also called: Laminin alpha 2-related dystrophy. Identifiers: MedGen C5679788, MONDO:0100228.

Submission:

Labcorp Genetics (formerly Invitae), Labcorp
Classification: Pathogenic for LAMA2-related muscular dystrophy. Last evaluated: 2023-05-01. Review status: criteria provided, single submitter. Criteria: Invitae Variant Classification Sherloc (09022015). Collection method: clinical testing. Allele origin: germline.
Comment: For these reasons, this variant has been classified as Pathogenic. This variant has not been reported in the literature in individuals affected with LAMA2-related conditions. This variant is not present in population databases (gnomAD no frequency). This sequence change creates a premature translational stop signal (p.Gly751Valfs*24) in the LAMA2 gene. It is expected to result in an absent or disrupted protein product. Loss-of-function variants in LAMA2 are known to be pathogenic (PMID: 18700894, 32904964).

Literature cited by the submitters: PubMed 18700894; PubMed 32904964.